The following is an entry in ClinVar:

ClinVar aggregate classification (germline): Likely benign (0 of 4 stars; one submission).

Conditions:
COL1A1-related disorder. Also called: COL1A1- related disease; COL1A1-related condition.

Submission:

PreventionGenetics, part of Exact Sciences
Classification: Likely benign for COL1A1-related condition. Last evaluated: 2023-12-27. Review status: no assertion criteria provided. Collection method: clinical testing. Allele origin: germline.
Comment: This variant is classified as likely benign based on ACMG/AMP sequence variant interpretation guidelines (Richards et al. 2015 PMID: 25741868, with internal and published modifications).

NM_000088.4(COL1A1):c.-7T>C

Gene: COL1A1 (collagen type I alpha 1 chain; minus strand). Cytogenetic location: 17q21.33.
Variant type: single nucleotide variant.
Coding change: c.-7T>C on transcript NM_000088.4 (MANE Select); 7 bases upstream of the start codon, T replaced by C.
Molecular consequence: 5 prime UTR variant.
Genome position (GRCh38, 1-based): chr17:50,201,520, A>G on the plus strand (T>C on the coding strand, the complement: COL1A1 is on the minus strand). VCF-style: chr17-50201520-A-G. GRCh37 (hg19) VCF-style: chr17-48278881-A-G.
Identifiers: ClinVar variation 3032238 (VCV003032238.2), dbSNP rs2509267505, ClinGen allele CA2576317825.